The following is an entry in ClinVar:

NM_005359.6(SMAD4):c.212G>A (p.Cys71Tyr)

Gene: SMAD4 (SMAD family member 4; plus strand). Cytogenetic location: 18q21.2.
Variant type: single nucleotide variant.
Coding change: c.212G>A on transcript NM_005359.6 (MANE Select); coding-DNA position 212, G replaced by A.
Protein change: p.Cys71Tyr; replaces cysteine 71 with tyrosine.
Molecular consequence: missense variant. On other transcripts: non-coding transcript variant (2).
Genome position (GRCh38, 1-based): chr18:51,047,258, G>A. VCF-style: chr18-51047258-G-A. GRCh37 (hg19) VCF-style: chr18-48573628-G-A.
Other names: c.212G>A, p.Cys71Tyr (NM_001407041.1, NM_001407042.1, NM_001407043.1); short protein forms C71Y.
Identifiers: ClinVar variation 2692827 (VCV002692827.3), dbSNP rs2144401727, ClinGen allele CA402458067.

ClinVar aggregate classification (germline): Uncertain significance (1 of 4 stars; one submission).

Conditions:
Juvenile polyposis syndrome (JPS). Identifiers: Orphanet 2929, MedGen C0345893, MONDO:0017380, OMIM 174900.

Submission:

Labcorp Genetics (formerly Invitae), Labcorp
Classification: Uncertain significance for Juvenile polyposis syndrome. Last evaluated: 2024-07-19. Review status: criteria provided, single submitter. Criteria: Invitae Variant Classification Sherloc (09022015). Collection method: clinical testing. Allele origin: germline.
Comment: This sequence change replaces cysteine, which is neutral and slightly polar, with tyrosine, which is neutral and polar, at codon 71 of the SMAD4 protein (p.Cys71Tyr). This variant is not present in population databases (gnomAD no frequency). This variant has not been reported in the literature in individuals affected with SMAD4-related conditions. Advanced modeling of protein sequence and biophysical properties (such as structural, functional, and spatial information, amino acid conservation, physicochemical variation, residue mobility, and thermodynamic stability) has been performed at Invitae for this missense variant, however the output from this modeling did not meet the statistical confidence thresholds required to predict the impact of this variant on SMAD4 protein function. In summary, the available evidence is currently insufficient to determine the role of this variant in disease. Therefore, it has been classified as a Variant of Uncertain Significance.